The following is an entry in ClinVar:

ClinVar aggregate classification (germline): Uncertain significance (1 of 4 stars; one submission).

Allele frequency attached by ClinVar (database versions not stated): TOPMed below 0.00001; gnomAD 0.00001.
gnomAD v4.1: 1 of 1,612,536 alleles (0.000062%); highest among the groups gnomAD compares: Admixed American, 0.0017%; no homozygotes.

Submission:

GeneDx
Classification: Uncertain significance. Last evaluated: 2021-08-24. Review status: criteria provided, single submitter. Criteria: GeneDx Variant Classification Process June 2021. Collection method: clinical testing. Allele origin: germline. Affected: yes.
Comment: Not observed in large population cohorts (Lek et al., 2016); In silico analysis supports that this missense variant does not alter protein structure/function; Has not been previously published as pathogenic or benign to our knowledge

NM_001162501.2(TNRC6B):c.215G>A (p.Arg72Lys)

Gene: TNRC6B (trinucleotide repeat containing adaptor 6B; plus strand). Cytogenetic location: 22q13.1.
Variant type: single nucleotide variant.
Coding change: c.215G>A on transcript NM_001162501.2 (MANE Select); coding-DNA position 215, G replaced by A.
Protein change: p.Arg72Lys; replaces arginine 72 with lysine.
Molecular consequence: missense variant.
Genome position (GRCh38, 1-based): chr22:40,261,931, G>A. VCF-style: chr22-40261931-G-A. GRCh37 (hg19) VCF-style: chr22-40657935-G-A.
Other names: c.323G>A, p.Arg108Lys (NM_001024843.2); c.215G>A, p.Arg72Lys (NM_015088.3); short protein forms R108K, R72K.
Identifiers: ClinVar variation 1316495 (VCV001316495.2), dbSNP rs2070391663, ClinGen allele CA411626199.
Genomic context (GRCh38, chr22:40,261,931, plus strand): 5'-CCGCCAGCCCAATTGGCAGCTCTCCATCGCCACCAGTCAATGGTGGCAACAATGCCAAAA[G>A]GGTGGCAGTGCCGAACGGACAACCGCCAAGCGCCGCCCGCTACATGCCTCGGGAGGTGCC-3'
Protein context (NP_001155973.1, residues 62-82): PPVNGGNNAK[Arg72Lys]VAVPNGQPPS